The following is an entry in ClinVar:

NM_018718.3(CEP41):c.242T>C (p.Leu81Pro)

Gene: CEP41 (centrosomal protein 41; minus strand). Cytogenetic location: 7q32.2.
Variant type: single nucleotide variant.
Coding change: c.242T>C on transcript NM_018718.3 (MANE Select); coding-DNA position 242, T replaced by C.
Protein change: p.Leu81Pro; replaces leucine 81 with proline.
Molecular consequence: missense variant. On other transcripts: non-coding transcript variant (1).
Genome position (GRCh38, 1-based): chr7:130,411,157, A>G on the plus strand (T>C on the coding strand, the complement: CEP41 is on the minus strand). VCF-style: chr7-130411157-A-G. GRCh37 (hg19) VCF-style: chr7-130050998-A-G.
Other names: c.242T>C, p.Leu81Pro (NM_001257158.2); c.194T>C, p.Leu65Pro (NM_001257159.2); short protein forms L65P, L81P.
Identifiers: ClinVar variation 1716562 (VCV001716562.3), dbSNP rs2536088065, ClinGen allele CA369289882.
Genomic context (GRCh38, chr7:130,411,157, plus strand): 5'-TCCCCACACCCTCAATTCTCATTACCTTCCAGCCTTTGAATCTCCTCAGCTGTCACTTCC[A>G]GTGTTTGATCAGAGAGGGAAGCAACTTGGATGATCTGATAGAAAAAAGAATGAAATGTGT-3'
Protein context (NP_061188.1, residues 71-91): IQVASLSDQT[Leu81Pro]EVTAEEIQRL

ClinVar aggregate classification (germline): Uncertain significance (1 of 4 stars; one submission).

Conditions:
Joubert syndrome 15 (JBTS15). Identifiers: Orphanet 475, MedGen C3280897, MONDO:0013763, OMIM 614464.

Submission:

Labcorp Genetics (formerly Invitae), Labcorp
Classification: Uncertain significance for Joubert syndrome 15. Last evaluated: 2022-08-16. Review status: criteria provided, single submitter. Criteria: Invitae Variant Classification Sherloc (09022015). Collection method: clinical testing. Allele origin: germline.
Comment: This sequence change replaces leucine, which is neutral and non-polar, with proline, which is neutral and non-polar, at codon 81 of the CEP41 protein (p.Leu81Pro). This variant is not present in population databases (gnomAD no frequency). This variant has not been reported in the literature in individuals affected with CEP41-related conditions. Algorithms developed to predict the effect of missense changes on protein structure and function are either unavailable or do not agree on the potential impact of this missense change (SIFT: "Tolerated"; PolyPhen-2: "Possibly Damaging"; Align-GVGD: "Class C0"). In summary, the available evidence is currently insufficient to determine the role of this variant in disease. Therefore, it has been classified as a Variant of Uncertain Significance.